The following is an entry in ClinVar:

NM_139076.3(ABRAXAS1):c.469C>T (p.Gln157Ter)

Gene: ABRAXAS1 (abraxas 1, BRCA1 A complex subunit; minus strand). Cytogenetic location: 4q21.23.
Variant type: single nucleotide variant.
Coding change: c.469C>T on transcript NM_139076.3 (MANE Select); coding-DNA position 469, C replaced by T.
Protein change: p.Gln157Ter; replaces glutamine 157 with a stop codon.
Molecular consequence: nonsense.
Genome position (GRCh38, 1-based): chr4:83,470,210, G>A on the plus strand (C>T on the coding strand, the complement: ABRAXAS1 is on the minus strand). VCF-style: chr4-83470210-G-A. GRCh37 (hg19) VCF-style: chr4-84391363-G-A.
Other names: c.142C>T, p.Gln48Ter (NM_001345962.2); short protein forms Q48*, Q157*.
Identifiers: ClinVar variation 952145 (VCV000952145.7), dbSNP rs1722527531, ClinGen allele CA357259677.
Genomic context (GRCh38, chr4:83,470,210, plus strand): 5'-TTAGATATATTTTTCTATTAGTTTAATACAGCCAGTGACTGGCCAACATTTACCCTTTTT[G>A]AGGTTTATATAAGGAATGTTCCAGTCGATGAGTAGAGCAGCTTTCTGTTATTATACTTGG-3'

ClinVar aggregate classification (germline): Uncertain significance (1 of 4 stars; one submission).

Submission:

Labcorp Genetics (formerly Invitae), Labcorp
Classification: Uncertain significance. Last evaluated: 2022-10-13. Review status: criteria provided, single submitter. Criteria: Invitae Variant Classification Sherloc (09022015). Collection method: clinical testing. Allele origin: germline.
Comment: In summary, the available evidence is currently insufficient to determine the role of this variant in disease. Therefore, it has been classified as a Variant of Uncertain Significance. ClinVar contains an entry for this variant (Variation ID: 952145). This variant has not been reported in the literature in individuals affected with ABRAXAS1-related conditions. This variant is not present in population databases (gnomAD no frequency). This sequence change creates a premature translational stop signal (p.Gln157*) in the ABRAXAS1 gene. It is expected to result in an absent or disrupted protein product. However, the current clinical and genetic evidence is not sufficient to establish whether loss-of-function variants in ABRAXAS1 cause disease.